The following is an entry in ClinVar:

NM_001130987.2(DYSF):c.4059+3G>A

Gene: DYSF (dysferlin; plus strand). Cytogenetic location: 2p13.2.
Variant type: single nucleotide variant.
Coding change: c.4059+3G>A on transcript NM_001130987.2 (MANE Select); 3 bases into the intron after coding-DNA position 4059, G replaced by A.
Molecular consequence: intron variant.
Genome position (GRCh38, 1-based): chr2:71,611,349, G>A. VCF-style: chr2-71611349-G-A. GRCh37 (hg19) VCF-style: chr2-71838479-G-A.
Other names: c.4059+3G>A (NM_001130985.2); c.4008+3G>A (NM_001130983.2, NM_001130455.2); c.3966+3G>A (NM_001130984.2, NM_001130986.2); c.4098+3G>A (NM_001130979.2); c.4056+3G>A (NM_001130981.2, NM_001130980.2); c.4005+3G>A (NM_001130978.2, NM_003494.4); c.3963+3G>A (NM_001130977.2, NM_001130976.2); c.4101+3G>A (NM_001130982.2).
Identifiers: ClinVar variation 2111837 (VCV002111837.4), dbSNP rs2546126867, ClinGen allele CA2580067818.

ClinVar aggregate classification (germline): Uncertain significance (1 of 4 stars; one submission).

Conditions:
Neuromuscular disease caused by qualitative or quantitative defects of dysferlin. Also called: Qualitative or quantitative defects of dysferlin; Dysferlinopathy. Identifiers: Orphanet 207073, MedGen C2931687, MONDO:0016145.

Submission:

Labcorp Genetics (formerly Invitae), Labcorp
Classification: Uncertain significance for Neuromuscular disease caused by qualitative or quantitative defects of dysferlin. Last evaluated: 2022-03-14. Review status: criteria provided, single submitter. Criteria: Invitae Variant Classification Sherloc (09022015). Collection method: clinical testing. Allele origin: germline.
Comment: This sequence change falls in intron 37 of the DYSF gene. It does not directly change the encoded amino acid sequence of the DYSF protein. It affects a nucleotide within the consensus splice site. This variant is not present in population databases (gnomAD no frequency). This variant has not been reported in the literature in individuals affected with DYSF-related conditions. Variants that disrupt the consensus splice site are a relatively common cause of aberrant splicing (PMID: 17576681, 9536098). Algorithms developed to predict the effect of sequence changes on RNA splicing suggest that this variant is not likely to affect RNA splicing. In summary, the available evidence is currently insufficient to determine the role of this variant in disease. Therefore, it has been classified as a Variant of Uncertain Significance.

Literature cited by the submitters: PubMed 17576681; PubMed 9536098.